The following is an entry in ClinVar:

ClinVar aggregate classification (germline): Benign. Review status: criteria provided, multiple submitters, no conflicts (2 of 4 stars). 2 submissions from 2 submitters: Benign (2). Last evaluated 2018-01-13.

Conditions:
Sarcoglycanopathy. Identifiers: Orphanet 207052, MedGen C2936331, MONDO:0016140.

Allele frequency attached by ClinVar (database versions not stated): gnomAD exomes 0.04261 and 0.04292; ExAC 0.04761; gnomAD 0.08459 and 0.08821; 1000 Genomes Project 0.08606; TOPMed 0.08890; 1000 Genomes Project 30x 0.09135.
gnomAD v4.1: 26,142 of 465,532 alleles (5.6%); highest among the groups gnomAD compares: African/African-American, 20%; 1,327 homozygotes.

Submissions (2):

Illumina Laboratory Services, Illumina
Classification: Benign for Sarcoglycanopathy. Last evaluated: 2018-01-13. Review status: criteria provided, single submitter. Criteria: ICSL Variant Classification Criteria 13 December 2019. Collection method: clinical testing. Allele origin: germline.
Comment: This variant was observed in the ICSL laboratory as part of a predisposition screen in an ostensibly healthy population. It had not been previously curated by ICSL or reported in the Human Gene Mutation Database (HGMD: prior to June 1st, 2018), and was therefore a candidate for classification through an automated scoring system. Utilizing variant allele frequency, disease prevalence and penetrance estimates, and inheritance mode, an automated score was calculated to assess if this variant is too frequent to cause the disease. Based on the score and internal cut-off values, a variant classified as benign is not then subjected to further curation. The score for this variant resulted in a classification of benign for this disease.

Breakthrough Genomics
Classification: Benign. Review status: criteria provided, single submitter. Criteria: ACMG Guidelines, 2015. Collection method: not provided. Allele origin: germline. Inheritance: Autosomal recessive inheritance. Affected: yes.

NM_000023.4(SGCA):c.*166A>G

Genes: SGCA (sarcoglycan alpha; plus strand), LOC121587601 (Sharpr-MPRA regulatory region 9980; plus strand). Cytogenetic location: 17q21.33.
Variant type: single nucleotide variant.
Coding change: c.*166A>G on transcript NM_000023.4 (MANE Select); 166 bases downstream of the stop codon, A replaced by G.
Molecular consequence: 3 prime UTR variant. On other transcripts: non-coding transcript variant (1).
Genome position (GRCh38, 1-based): chr17:50,175,865, A>G. VCF-style: chr17-50175865-A-G. GRCh37 (hg19) VCF-style: chr17-48253226-A-G.
Other names: c.*166A>G (NM_001135697.3).
Identifiers: ClinVar variation 324051 (VCV000324051.6), dbSNP rs73987439, ClinGen allele CA8644119.